The following is an entry in ClinVar:

NM_014994.3(MAPKBP1):c.734C>T (p.Ala245Val)

Gene: MAPKBP1 (mitogen-activated protein kinase binding protein 1; plus strand). Cytogenetic location: 15q15.1.
Variant type: single nucleotide variant.
Coding change: c.734C>T on transcript NM_014994.3 (MANE Select); coding-DNA position 734, C replaced by T.
Protein change: p.Ala245Val; replaces alanine 245 with valine.
Molecular consequence: missense variant. On other transcripts: non-coding transcript variant (2).
Genome position (GRCh38, 1-based): chr15:41,813,016, C>T. VCF-style: chr15-41813016-C-T. GRCh37 (hg19) VCF-style: chr15-42105214-C-T.
Other names: c.734C>T, p.Ala245Val (NM_001265611.2, NM_001128608.2); short protein forms A245V.
Identifiers: ClinVar variation 4076900 (VCV004076900.1).

ClinVar aggregate classification (germline): Uncertain significance (1 of 4 stars; one submission).

gnomAD v4.1: 23 of 1,613,892 alleles (0.0014%); highest among the groups gnomAD compares: Non-Finnish European, 0.0017%; no homozygotes.

Submission:

GeneDx
Classification: Uncertain significance. Last evaluated: 2025-02-22. Review status: criteria provided, single submitter. Criteria: GeneDx Variant Classification Process June 2021. Collection method: clinical testing. Allele origin: germline. Affected: yes.
Comment: Not observed at significant frequency in large population cohorts (gnomAD); In silico analysis supports that this missense variant has a deleterious effect on protein structure/function; Has not been previously published as pathogenic or benign to our knowledge